The following is an entry in ClinVar:

ClinVar aggregate classification (germline): Uncertain significance (1 of 4 stars; one submission).

Conditions:
Nephronophthisis 15 (NPHP15). Identifiers: Orphanet 3156, MedGen C3541853, MONDO:0013917, OMIM 614845.

Submission:

Labcorp Genetics (formerly Invitae), Labcorp
Classification: Uncertain significance for Nephronophthisis 15. Last evaluated: 2022-07-12. Review status: criteria provided, single submitter. Criteria: Invitae Variant Classification Sherloc (09022015). Collection method: clinical testing. Allele origin: germline.
Comment: In summary, the available evidence is currently insufficient to determine the role of this variant in disease. Therefore, it has been classified as a Variant of Uncertain Significance. Algorithms developed to predict the effect of missense changes on protein structure and function are either unavailable or do not agree on the potential impact of this missense change (SIFT: "Deleterious"; PolyPhen-2: "Possibly Damaging"; Align-GVGD: "Class C0"). This variant has not been reported in the literature in individuals affected with CEP164-related conditions. This variant is not present in population databases (gnomAD no frequency). This sequence change replaces phenylalanine, which is neutral and non-polar, with leucine, which is neutral and non-polar, at codon 1355 of the CEP164 protein (p.Phe1355Leu).

NM_014956.5(CEP164):c.4063T>C (p.Phe1355Leu)

Gene: CEP164 (centrosomal protein 164; plus strand). Cytogenetic location: 11q23.3.
Variant type: single nucleotide variant.
Coding change: c.4063T>C on transcript NM_014956.5 (MANE Select); coding-DNA position 4063, T replaced by C.
Protein change: p.Phe1355Leu; replaces phenylalanine 1355 with leucine.
Molecular consequence: missense variant.
Genome position (GRCh38, 1-based): chr11:117,409,932, T>C. VCF-style: chr11-117409932-T-C. GRCh37 (hg19) VCF-style: chr11-117280648-T-C.
Other names: c.4048T>C, p.Phe1350Leu (NM_001271933.2); short protein forms F1355L, F1350L.
Identifiers: ClinVar variation 2193961 (VCV002193961.4), dbSNP rs2542769091, ClinGen allele CA382745220.